The following is an entry in ClinVar:

NM_000080.4(CHRNE):c.258C>T (p.Asn86=)

Genes: C17orf107 (chromosome 17 open reading frame 107; plus strand), CHRNE (cholinergic receptor nicotinic epsilon subunit; minus strand). Cytogenetic location: 17p13.2.
Variant type: single nucleotide variant.
Coding change: c.258C>T on transcript NM_000080.4 (MANE Select); coding-DNA position 258, C replaced by T.
Protein change: p.Asn86=; no amino-acid change (asparagine 86 retained).
Molecular consequence: synonymous variant. On other transcripts: 3 prime UTR variant (1).
Genome position (GRCh38, 1-based): chr17:4,902,303, G>A on the plus strand (C>T on the coding strand, the complement: CHRNE is on the minus strand). VCF-style: chr17-4902303-G-A. GRCh37 (hg19) VCF-style: chr17-4805598-G-A.
Other names: c.*1770G>A (NM_001145536.2).
Identifiers: ClinVar variation 2126347 (VCV002126347.4), dbSNP rs368022587, ClinGen allele CA8314530.

ClinVar aggregate classification (germline): Uncertain significance (1 of 4 stars; one submission).

Conditions:
Congenital myasthenic syndrome 4A. Also called: MYASTHENIC SYNDROME, CONGENITAL, 4A, SLOW-CHANNEL, AUTOSOMAL RECESSIVE; CONGENITAL MYASTHENIC SYNDROME TYPE Ia1; Myasthenic syndrome, congenital, 4a, slow-channel. Identifiers: Orphanet 590, MedGen C4225413, MONDO:0011600, OMIM 605809.

Allele frequency attached by ClinVar (database versions not stated): ExAC 0.00002; gnomAD 0.00002; TOPMed 0.00002; ESP Exome Variant Server 0.00008.
gnomAD v4.1: 4 of 1,614,078 alleles (0.00025%); highest among the groups gnomAD compares: African/African-American, 0.004%; no homozygotes.

Submission:

Labcorp Genetics (formerly Invitae), Labcorp
Classification: Uncertain significance for Congenital myasthenic syndrome 4A. Last evaluated: 2022-08-06. Review status: criteria provided, single submitter. Criteria: Invitae Variant Classification Sherloc (09022015). Collection method: clinical testing. Allele origin: germline.
Comment: Algorithms developed to predict the effect of sequence changes on RNA splicing suggest that this variant may create or strengthen a splice site. In summary, the available evidence is currently insufficient to determine the role of this variant in disease. Therefore, it has been classified as a Variant of Uncertain Significance. This variant has not been reported in the literature in individuals affected with CHRNE-related conditions. This sequence change affects codon 86 of the CHRNE mRNA. It is a 'silent' change, meaning that it does not change the encoded amino acid sequence of the CHRNE protein. This variant is present in population databases (rs368022587, gnomAD 0.01%).